The following is an entry in ClinVar:

ClinVar aggregate classification (germline): Conflicting classifications of pathogenicity. Review status: criteria provided, conflicting classifications (1 of 4 stars). 3 submissions from 3 submitters: Uncertain significance (2); Likely benign (1). Last evaluated 2025-07-23.

Conditions:
Inborn genetic diseases. Identifiers: MedGen C0950123, MeSH D030342.
Hereditary spastic paraplegia 11. Also called: SPASTIC PARAPLEGIA, AUTOSOMAL RECESSIVE, COMPLICATED, WITH THIN CORPUS CALLOSUM; SPASTIC PARAPLEGIA, AUTOSOMAL RECESSIVE, WITH MENTAL IMPAIRMENT AND THIN CORPUS CALLOSUM; Spastic Paraplegia 11; Nakamura Osame syndrome; Autosomal recessive hereditary spastic paraplegia, mental impairment, and thin corpus callosum; Spastic paraplegia, mental retardation and thin corpus callosum. Identifiers: Orphanet 2822, MedGen C1858479, MONDO:0011445, OMIM 604360.

Allele frequency attached by ClinVar (database versions not stated): gnomAD exomes 0.00001 and 0.00002; ExAC 0.00003; gnomAD 0.00011 and 0.00013; TOPMed 0.00014; ESP Exome Variant Server 0.00015.
gnomAD v4.1: 29 of 1,614,112 alleles (0.0018%); highest among the groups gnomAD compares: African/African-American, 0.033%; no homozygotes.

Submissions (3):

Labcorp Genetics (formerly Invitae), Labcorp
Classification: Likely benign for Hereditary spastic paraplegia 11. Last evaluated: 2025-07-23. Review status: criteria provided, single submitter. Criteria: Invitae Variant Classification Sherloc (09022015). Collection method: clinical testing. Allele origin: germline.

Ambry Genetics
Classification: Uncertain significance for Inborn genetic diseases. Last evaluated: 2024-12-11. Review status: criteria provided, single submitter. Criteria: Ambry Variant Classification Scheme 2023. Collection method: clinical testing. Allele origin: germline.

GeneDx
Classification: Uncertain significance. Last evaluated: 2024-11-05. Review status: criteria provided, single submitter. Criteria: GeneDx Variant Classification Process June 2021. Collection method: clinical testing. Allele origin: germline. Affected: yes.
Comment: In silico analysis indicates that this missense variant does not alter protein structure/function; Has not been previously published as pathogenic or benign to our knowledge

NM_025137.4(SPG11):c.5764G>C (p.Ala1922Pro)

Gene: SPG11 (SPG11 vesicle trafficking associated, spatacsin; minus strand). Cytogenetic location: 15q21.1.
Variant type: single nucleotide variant.
Coding change: c.5764G>C on transcript NM_025137.4 (MANE Select); coding-DNA position 5764, G replaced by C.
Protein change: p.Ala1922Pro; replaces alanine 1922 with proline.
Molecular consequence: missense variant.
Genome position (GRCh38, 1-based): chr15:44,583,916, C>G on the plus strand (G>C on the coding strand, the complement: SPG11 is on the minus strand). VCF-style: chr15-44583916-C-G. GRCh37 (hg19) VCF-style: chr15-44876114-C-G.
Other names: c.5764G>C, p.Ala1922Pro (NM_001160227.2); short protein forms A1922P.
Identifiers: ClinVar variation 644165 (VCV000644165.10), dbSNP rs147999915, ClinGen allele CA7534354.